The following is an entry in ClinVar:

ClinVar aggregate classification (germline): Uncertain significance. Review status: criteria provided, multiple submitters, no conflicts (2 of 4 stars). 5 submissions from 5 submitters: Uncertain significance (3). 2 of the submissions do not count toward it. Last evaluated 2024-06-18.

Conditions:
Inborn genetic diseases. Identifiers: MedGen C0950123, MeSH D030342.
Usher syndrome type 1C. Also called: USHER SYNDROME, TYPE I, ACADIAN VARIETY. Identifiers: Orphanet 231169, Orphanet 886, MedGen C1848604, MONDO:0010171, OMIM 276904.
Autosomal recessive nonsyndromic hearing loss 18A. Also called: DEAFNESS, AUTOSOMAL RECESSIVE 18; Deafness, autosomal recessive 18A. Identifiers: Orphanet 90636, MedGen C1865870, MONDO:0011192, OMIM 602092.

Allele frequency attached by ClinVar (database versions not stated): TOPMed 0.00003.

Submissions (5):

Ambry Genetics
Classification: Uncertain significance for Inborn genetic diseases. Last evaluated: 2024-06-18. Review status: criteria provided, single submitter. Criteria: Ambry Variant Classification Scheme 2023. Collection method: clinical testing. Allele origin: germline.

Labcorp Genetics (formerly Invitae), Labcorp
Classification: Uncertain significance. Last evaluated: 2024-02-24. Review status: criteria provided, single submitter. Criteria: Invitae Variant Classification Sherloc (09022015). Collection method: clinical testing. Allele origin: germline.
Comment: This sequence change replaces glutamic acid, which is acidic and polar, with alanine, which is neutral and non-polar, at codon 338 of the USH1C protein (p.Glu338Ala). This variant is not present in population databases (gnomAD no frequency). This variant has not been reported in the literature in individuals affected with USH1C-related conditions. ClinVar contains an entry for this variant (Variation ID: 229598). An algorithm developed to predict the effect of missense changes on protein structure and function (PolyPhen-2) suggests that this variant¬†is likely to be tolerated. In summary, the available evidence is currently insufficient to determine the role of this variant in disease. Therefore, it has been classified as a Variant of Uncertain Significance.

Laboratory for Molecular Medicine, Mass General Brigham Personalized Medicine
Classification: Uncertain significance. Last evaluated: 2016-02-02. Review status: criteria provided, single submitter. Criteria: LMM Criteria. Collection method: clinical testing. Allele origin: germline. Observed: 1 variant allele.
Comment: The p.Glu338Ala variant in USH1C has not been previously reported in individuals with hearing loss or Usher syndrome or in large population studies. Computation al prediction tools and conservation analyses do not provide strong support for or against an impact to the protein. In summary, the clinical significance of th e p.Glu338Ala variant is uncertain.

Natera, Inc.
Classification: Uncertain significance for Usher syndrome type 1C. Last evaluated: 2020-12-10. Review status: no assertion criteria provided. Collection method: clinical testing. Allele origin: germline. Not counted in ClinVar's aggregate classification.

Counsyl
Classification: Uncertain significance for Usher syndrome type 1C; Autosomal recessive nonsyndromic hearing loss 18A. Last evaluated: 2017-10-17. Review status: no assertion criteria provided. Collection method: clinical testing. Allele origin: unknown. Not counted in ClinVar's aggregate classification.

NM_153676.4(USH1C):c.1013A>C (p.Glu338Ala)

Gene: USH1C (USH1 protein network component harmonin; minus strand). Cytogenetic location: 11p15.1.
Variant type: single nucleotide variant.
Coding change: c.1013A>C on transcript NM_153676.4 (MANE Select); coding-DNA position 1013, A replaced by C.
Protein change: p.Glu338Ala; replaces glutamic acid 338 with alanine.
Molecular consequence: missense variant. On other transcripts: non-coding transcript variant (1).
Genome position (GRCh38, 1-based): chr11:17,522,790, T>G on the plus strand (A>C on the coding strand, the complement: USH1C is on the minus strand). VCF-style: chr11-17522790-T-G. GRCh37 (hg19) VCF-style: chr11-17544337-T-G.
Other names: c.956A>C, p.Glu319Ala (NM_001297764.2); c.1013A>C, p.Glu338Ala (NM_005709.4); short protein forms E338A, E319A.
Identifiers: ClinVar variation 229598 (VCV000229598.14), dbSNP rs876658109, ClinGen allele CA10576846.
Genomic context (GRCh38, chr11:17,522,790, plus strand): 5'-GTCGTGTGGTGGGGTGGGAGGCGGGACAGGGCATCCAGGGCTGGCTGCACTCACTGCCGC[T>G]CCATCTCCTGCTGCTCCTGGAGGATCTTGTTGGACTCCATCGCCAGCCGCTTCTGCATGA-3'
Protein context (NP_710142.1, residues 328-348): NKILQEQQEM[Glu338Ala]RQRRKEIAQK